The following is an entry in ClinVar:

ClinVar aggregate classification (germline): Pathogenic (1 of 4 stars; one submission).

Conditions:
Hereditary cancer-predisposing syndrome. Also called: Neoplastic Syndromes, Hereditary; Tumor predisposition; Hereditary Cancer Syndrome; Hereditary neoplastic syndrome. Identifiers: Orphanet 140162, MedGen C0027672, MeSH D009386, MONDO:0015356.

Submission:

Ambry Genetics
Classification: Pathogenic for Hereditary cancer-predisposing syndrome. Last evaluated: 2017-09-15. Review status: criteria provided, single submitter. Criteria: Ambry Variant Classification Scheme 2023. Collection method: clinical testing. Allele origin: germline.
Comment: The c.7744delG pathogenic mutation, located in coding exon 15 of the APC gene, results from a deletion of one nucleotide at nucleotide position 7744, causing a translational frameshift with a predicted alternate stop codon (p.E2582Kfs*11). This alteration is expected to result in loss of function by premature protein truncation. As such, this alteration is interpreted as a disease-causing mutation.

NM_000038.6(APC):c.7744del (p.Glu2582fs)

Gene: APC (APC regulator of Wnt signaling pathway; plus strand). Cytogenetic location: 5q22.2.
Variant type: Deletion.
Coding change: c.7744del on transcript NM_000038.6 (MANE Select); coding-DNA position 7744, one base deleted (G; older notation c.7744delG).
Protein change: p.Glu2582fs; shifts the reading frame from glutamic acid 2582.
Molecular consequence: frameshift variant.
Genome position (GRCh38, 1-based): chr5:112,843,338, G deleted. VCF-style (leftmost placement, unchanged base first): chr5-112843337-TG-T. GRCh37 (hg19) VCF-style: chr5-112179034-TG-T.
Other names: c.7744del, p.Glu2582fs (NM_001127510.3, NM_001354895.2); c.7690del, p.Glu2564fs (NM_001127511.3); c.7798del, p.Glu2600fs (NM_001354896.2); c.7774del, p.Glu2592fs (NM_001354897.2); c.7669del, p.Glu2557fs (NM_001354898.2); c.7660del, p.Glu2554fs (NM_001354899.2); c.7621del, p.Glu2541fs (NM_001354900.2); c.7567del, p.Glu2523fs (NM_001354901.2); and 5 more; short protein forms E2299fs, E2422fs, E2456fs, E2554fs, E2592fs, E2491fs, E2523fs, E2481fs.
Identifiers: ClinVar variation 482518 (VCV000482518.5), dbSNP rs1554088632, ClinGen allele CA658657464.